The following is an entry in ClinVar:

ClinVar aggregate classification (germline): Benign/Likely benign. Review status: criteria provided, multiple submitters, no conflicts (2 of 4 stars). 4 submissions from 4 submitters: Benign (1); Likely benign (3). Last evaluated 2026-09-23.

Conditions:
Hereditary cancer-predisposing syndrome. Also called: Hereditary Cancer Syndrome; Tumor predisposition; Hereditary neoplastic syndrome; Neoplastic Syndromes, Hereditary. Identifiers: Orphanet 140162, MedGen C0027672, MeSH D009386, MONDO:0015356.
Neurofibromatosis, type 1 (NF1). Also called: Peripheral type neurofibromatosis; Neurofibromatosis, type I; VON RECKLINGHAUSEN DISEASE; NEUROFIBROMATOSIS, TYPE I, SOMATIC. Identifiers: Orphanet 636, MedGen C0027831, MONDO:0018975, OMIM 162200. Disease mechanism: loss of function.

Submissions (4):

Myriad Genetics, Inc.
Classification: Benign for Neurofibromatosis, type 1. Last evaluated: 2026-09-23. Review status: criteria provided, single submitter. Criteria: Myriad Autosomal Dominant, Autosomal Recessive and X-Linked Classification Criteria (2023). Collection method: clinical testing. Allele origin: unknown.
Comment: This variant is considered benign. This variant is a silent/synonymous amino acid change and it is not expected to impact splicing.

Genome-Nilou Lab
Classification: Likely benign for Neurofibromatosis, type 1. Last evaluated: 2022-03-15. Review status: criteria provided, single submitter. Criteria: ACMG Guidelines, 2015. Collection method: clinical testing. Allele origin: germline. Affected: no.

Labcorp Genetics (formerly Invitae), Labcorp
Classification: Likely benign for Neurofibromatosis, type 1. Last evaluated: 2021-01-15. Review status: criteria provided, single submitter. Criteria: Invitae Variant Classification Sherloc (09022015). Collection method: clinical testing. Allele origin: germline.

Ambry Genetics
Classification: Likely benign for Hereditary cancer-predisposing syndrome. Last evaluated: 2015-02-10. Review status: criteria provided, single submitter. Criteria: Ambry Autosomal Dominant and X-Linked criteria (10/2015). Collection method: clinical testing. Allele origin: germline. Observed: 1 variant allele.

NM_001042492.3(NF1):c.2073G>A (p.Leu691=)

Gene: NF1 (neurofibromin 1; plus strand). Cytogenetic location: 17q11.2.
Variant type: single nucleotide variant.
Coding change: c.2073G>A on transcript NM_001042492.3 (MANE Select); coding-DNA position 2073, G replaced by A.
Protein change: p.Leu691=; no amino-acid change (leucine 691 retained).
Molecular consequence: synonymous variant.
Genome position (GRCh38, 1-based): chr17:31,226,506, G>A. VCF-style: chr17-31226506-G-A. GRCh37 (hg19) VCF-style: chr17-29553524-G-A.
Other names: c.2073G>A, p.Leu691= (NM_000267.4).
Identifiers: ClinVar variation 230329 (VCV000230329.13), dbSNP rs756988894, ClinGen allele CA10580242.
Genomic context (GRCh38, chr17:31,226,506, plus strand): 5'-AGGATGCAGCGGAACCCCCCCGATTTGCCGACAAGCCCAGACCAAACTAGAAGTGGCCCT[G>A]TACATGTTTCTGTGGAACCCTGACACTGAAGCTGTTCTGGTTGCCATGTCCTGTTTCCGC-3'
Protein context (NP_001035957.1, residues 681-701): RQAQTKLEVA[Leu691=]YMFLWNPDTE